The following is an entry in ClinVar:

ClinVar aggregate classification (germline): Pathogenic (1 of 4 stars; one submission).

Conditions:
Charcot-Marie-Tooth Neuropathy X. Identifiers: MedGen CN118851.

Submission:

Labcorp Genetics (formerly Invitae), Labcorp
Classification: Pathogenic for Charcot-Marie-Tooth Neuropathy X. Last evaluated: 2023-03-27. Review status: criteria provided, single submitter. Criteria: Invitae Variant Classification Sherloc (09022015). Collection method: clinical testing. Allele origin: germline.
Comment: For these reasons, this variant has been classified as Pathogenic. This variant disrupts a region of the GJB1 protein in which other variant(s) (p.Ala271Trpfs*4) have been determined to be pathogenic (Invitae). This suggests that this is a clinically significant region of the protein, and that variants that disrupt it are likely to be disease-causing. This variant has not been reported in the literature in individuals affected with GJB1-related conditions. This variant is not present in population databases (gnomAD no frequency). This sequence change creates a premature translational stop signal (p.Arg223Glnfs*17) in the GJB1 gene. While this is not anticipated to result in nonsense mediated decay, it is expected to disrupt the last 61 amino acid(s) of the GJB1 protein.

NM_000166.6(GJB1):c.668_675del (p.Arg223fs)

Gene: GJB1 (gap junction protein beta 1; plus strand). Cytogenetic location: Xq13.1.
Variant type: Deletion.
Coding change: c.668_675del on transcript NM_000166.6 (MANE Select); coding-DNA positions 668 to 675, 8 bases deleted (GCCGCTCC; older notation c.668_675delGCCGCTCC).
Protein change: p.Arg223fs; shifts the reading frame from arginine 223.
Molecular consequence: frameshift variant.
Genome position (GRCh38, 1-based): chrX:71,224,375-71,224,382, GCCGCTCC deleted; deleting any 8 consecutive bases within chrX:71,224,374-71,224,382 gives the same sequence; the c. name uses the placement nearest the transcript's 3' end. VCF-style (leftmost placement, unchanged base first): chrX-71224373-GCGCCGCTC-G. GRCh37 (hg19) VCF-style: chrX-70444223-GCGCCGCTC-G.
Other names: c.668_675del, p.Arg223fs (NM_001097642.3); short protein forms R223fs.
Identifiers: ClinVar variation 2850192 (VCV002850192.3), dbSNP rs2519799110, ClinGen allele CA2739273579.
Genomic context (GRCh38, chrX:71,224,373, plus strand): 5'-CATCCTCAATGTGGCCGAGGTGGTGTACCTCATCATCCGGGCCTGTGCCCGCCGAGCCCA[GCGCCGCTC>G]CAATCCACCTTCCCGCAAGGGCTCGGGCTTCGGCCACCGCCTCTCACCTGAATACAAGCA-3'